The following is an entry in ClinVar:

NM_000059.4(BRCA2):c.6070del (p.Gln2024fs)

Gene: BRCA2 (BRCA2 DNA repair associated; plus strand). Cytogenetic location: 13q13.1.
Variant type: Deletion.
Coding change: c.6070del on transcript NM_000059.4 (MANE Select); coding-DNA position 6070, one base deleted (C; older notation c.6070delC).
Protein change: p.Gln2024fs; shifts the reading frame from glutamine 2024.
Molecular consequence: frameshift variant. On other transcripts: non-coding transcript variant (1), intron variant (2).
Genome position (GRCh38, 1-based): chr13:32,340,425, C deleted; the last of 2 consecutive C bases (chr13:32,340,424-32,340,425); deleting either gives the same sequence. VCF-style (leftmost placement, unchanged base first): chr13-32340423-AC-A. GRCh37 (hg19) VCF-style: chr13-32914560-AC-A.
Other names: c.6070del, p.Gln2024fs (NM_001406719.1, NM_001406720.1); c.1910-4133del (NM_001406721.1); c.425-4133del (NM_001406722.1); c.6070delC (NM_000059.4); short protein forms Q2024fs.
Identifiers: ClinVar variation 2767863 (VCV002767863.5), dbSNP rs2548532497, ClinGen allele CA2697551804.
Genomic context (GRCh38, chr13:32,340,423, plus strand): 5'-TAGAAGATAGTACCAAGCAAGTCTTTTCCAAAGTATTGTTTAAAAGTAACGAACATTCAG[AC>A]CAGCTCACAAGAGAAGAAAATACTGCTATACGTACTCCAGAACATTTAATATCCCAAAAA-3'

ClinVar aggregate classification (germline): Pathogenic. Review status: criteria provided, multiple submitters, no conflicts (2 of 4 stars). 3 submissions from 3 submitters: Pathogenic (3). Last evaluated 2024-12-19.

Conditions:
Hereditary cancer-predisposing syndrome. Also called: Hereditary neoplastic syndrome; Neoplastic Syndromes, Hereditary; Hereditary Cancer Syndrome; Tumor predisposition. Identifiers: Orphanet 140162, MedGen C0027672, MeSH D009386, MONDO:0015356.
Hereditary breast ovarian cancer syndrome. Also called: Hereditary breast and ovarian cancer syndrome; Hereditary breast and/or ovarian cancer syndrome; BRCA1- and BRCA2-Associated Hereditary Breast and Ovarian Cancer; Hereditary breast and ovarian cancer; Breast and ovarian cancer; Hereditary breast and ovarian cancer syndrome (HBOC). Identifiers: Orphanet 145, MedGen C0677776, MeSH D061325, MONDO:0003582. Disease mechanism: loss of function.

Submissions (3):

Labcorp Genetics (formerly Invitae), Labcorp
Classification: Pathogenic for Hereditary breast ovarian cancer syndrome. Last evaluated: 2024-12-19. Review status: criteria provided, single submitter. Criteria: Invitae Variant Classification Sherloc (09022015). Collection method: clinical testing. Allele origin: germline.
Comment: This sequence change creates a premature translational stop signal (p.Gln2024Serfs*16) in the BRCA2 gene. It is expected to result in an absent or disrupted protein product. Loss-of-function variants in BRCA2 are known to be pathogenic (PMID: 20104584). This variant is not present in population databases (gnomAD no frequency). This variant has not been reported in the literature in individuals affected with BRCA2-related conditions. ClinVar contains an entry for this variant (Variation ID: 2767863). For these reasons, this variant has been classified as Pathogenic.

Women's Health and Genetics/Laboratory Corporation of America, LabCorp
Classification: Pathogenic for Hereditary breast ovarian cancer syndrome. Last evaluated: 2024-06-03. Review status: criteria provided, single submitter. Criteria: LabCorp Variant Classification Summary - May 2015. Collection method: clinical testing. Allele origin: germline.
Comment: Variant summary: BRCA2 c.6070delC (p.Gln2024SerfsX16) results in a premature termination codon, predicted to cause a truncation of the encoded protein or absence of the protein due to nonsense mediated decay, which are commonly known mechanisms for disease. The variant was absent in 250976 control chromosomes. To our knowledge, no occurrence of c.6070delC in individuals affected with Hereditary Breast And Ovarian Cancer Syndrome and no experimental evidence demonstrating its impact on protein function have been reported. ClinVar contains an entry for this variant (Variation ID: 2767863). Based on the evidence outlined above, the variant was classified as pathogenic.

Ambry Genetics
Classification: Pathogenic for Hereditary cancer-predisposing syndrome. Last evaluated: 2024-03-06. Review status: criteria provided, single submitter. Criteria: Ambry Variant Classification Scheme 2023. Collection method: clinical testing. Allele origin: germline.
Comment: The c.6070delC pathogenic mutation, located in coding exon 10 of the BRCA2 gene, results from a deletion of one nucleotide at nucleotide position 6070, causing a translational frameshift with a predicted alternate stop codon (p.Q2024Sfs*16). This variant is considered to be rare based on population cohorts in the Genome Aggregation Database (gnomAD). This alteration is expected to result in loss of function by premature protein truncation or nonsense-mediated mRNA decay. As such, this alteration is interpreted as a disease-causing mutation.

Literature cited by the submitters: PubMed 20104584 (cited by Labcorp Genetics (formerly Invitae), Labcorp).